The following is an entry in ClinVar:

ClinVar aggregate classification (germline): Uncertain significance (1 of 4 stars; one submission).

Conditions:
Cystic fibrosis (CF). Also called: MUCOVISCIDOSIS. Identifiers: Orphanet 586, MedGen C0010674, MONDO:0009061, OMIM 219700. Disease mechanism: loss of function.

Submission:

Laboratorio de Genetica e Diagnostico Molecular, Hospital Israelita Albert Einstein
Classification: Uncertain significance for Cystic fibrosis. Last evaluated: 2022-09-02. Review status: criteria provided, single submitter. Criteria: ACMG Guidelines, 2015. Collection method: clinical testing. Allele origin: germline. Affected: yes. Observed: 1 variant allele.
Comment: ACMG classification criteria: PM2 moderated

NM_000492.4(CFTR):c.273+7334T>C

Gene: CFTR (CF transmembrane conductance regulator; plus strand). Cytogenetic location: 7q31.2.
Variant type: single nucleotide variant.
Coding change: c.273+7334T>C on transcript NM_000492.4 (MANE Select); 7334 bases into the intron after coding-DNA position 273, T replaced by C.
Molecular consequence: intron variant.
Genome position (GRCh38, 1-based): chr7:117,516,476, T>C. VCF-style: chr7-117516476-T-C. GRCh37 (hg19) VCF-style: chr7-117156530-T-C.
Identifiers: ClinVar variation 2431831 (VCV002431831.1), dbSNP rs1033631047, ClinGen allele CA164940307.
Genomic context (GRCh38, chr7:117,516,476, plus strand): 5'-ATTATGTGTATATAAGATAGGGCCTAGATAAATGGTATTTATCTTAAATTACAGTGATAC[T>C]AGCTTATAACTTAATTTGCTAGGTCATGTTGAACTGATAACAATGTGTGAACTGATGAGC-3'